The following is an entry in ClinVar:

NM_170682.4(P2RX2):c.105G>T (p.Val35=)

Gene: P2RX2 (purinergic receptor P2X 2; plus strand). Cytogenetic location: 12q24.33.
Variant type: single nucleotide variant.
Coding change: c.105G>T on transcript NM_170682.4 (MANE Select); coding-DNA position 105, G replaced by T.
Protein change: p.Val35=; no amino-acid change (valine 35 retained).
Molecular consequence: synonymous variant.
Genome position (GRCh38, 1-based): chr12:132,618,921, G>T. VCF-style: chr12-132618921-G-T. GRCh37 (hg19) VCF-style: chr12-133195507-G-T.
Other names: c.105G>T, p.Val35= (NM_001282164.2, NM_001282165.2, NM_012226.5 and 4 more transcripts).
Identifiers: ClinVar variation 4055900 (VCV004055900.1).

ClinVar aggregate classification (germline): Uncertain significance (1 of 4 stars; one submission).

gnomAD v4.1: 2 of 1,335,952 alleles (0.00015%); highest among the groups gnomAD compares: Non-Finnish European, 0.00019%; no homozygotes.

Submission:

GeneDx
Classification: Uncertain significance. Last evaluated: 2025-01-06. Review status: criteria provided, single submitter. Criteria: GeneDx Variant Classification Process June 2021. Collection method: clinical testing. Allele origin: germline. Affected: yes.
Comment: Not observed at significant frequency in large population cohorts (gnomAD); In silico analysis indicates that this variant does not alter splicing; Has not been previously published as pathogenic or benign to our knowledge